The following is an entry in ClinVar:

ClinVar aggregate classification (germline): Likely benign. Review status: reviewed by expert panel (3 of 4 stars). 5 submissions from 5 submitters: Likely benign (1). 4 of the submissions do not count toward it. Last evaluated 2017-06-29.

Conditions:
Hereditary cancer-predisposing syndrome. Also called: Tumor predisposition; Hereditary Cancer Syndrome; Neoplastic Syndromes, Hereditary; Hereditary neoplastic syndrome. Identifiers: Orphanet 140162, MedGen C0027672, MeSH D009386, MONDO:0015356.
Hereditary breast ovarian cancer syndrome. Also called: Breast and ovarian cancer; Hereditary breast and ovarian cancer; Hereditary breast and ovarian cancer syndrome; Hereditary breast and/or ovarian cancer syndrome; BRCA1- and BRCA2-Associated Hereditary Breast and Ovarian Cancer; Hereditary breast and ovarian cancer syndrome (HBOC). Identifiers: Orphanet 145, MedGen C0677776, MeSH D061325, MONDO:0003582. Disease mechanism: loss of function.
Breast-ovarian cancer, familial, susceptibility to, 1 (BROVCA1). Also called: BRCA1 Hereditary Breast and Ovarian Cancer; OVARIAN CANCER, SUSCEPTIBILITY TO. Identifiers: Orphanet 145, MedGen C2676676, MONDO:0011450, OMIM 604370. Disease mechanism: loss of function.

Allele frequency attached by ClinVar (database versions not stated): TOPMed 0.00002.
gnomAD v4.1: 2 of 1,614,202 alleles (0.00012%); highest among the groups gnomAD compares: African/African-American, 0.0013%; no homozygotes.

Submissions (5):

Evidence-based Network for the Interpretation of Germline Mutant Alleles (ENIGMA)
Classification: Likely benign for Breast-ovarian cancer, familial, susceptibility to, 1. Last evaluated: 2017-06-29. Review status: reviewed by expert panel. Criteria: ENIGMA BRCA1/2 Classification Criteria (2017-06-29). Collection method: curation. Allele origin: germline.
Comment: Synonymous substitution variant, with low bioinformatic likelihood to result in a splicing aberration (Splicing prior probability 0.02).

Labcorp Genetics (formerly Invitae), Labcorp
Classification: Likely benign for Hereditary breast ovarian cancer syndrome. Last evaluated: 2025-11-03. Review status: criteria provided, single submitter. Criteria: Invitae Variant Classification Sherloc (09022015). Collection method: clinical testing. Allele origin: germline. Not counted in ClinVar's aggregate classification.

Women's Health and Genetics/Laboratory Corporation of America, LabCorp
Classification: Likely benign. Last evaluated: 2024-12-06. Review status: criteria provided, single submitter. Criteria: LabCorp Variant Classification Summary - May 2015. Collection method: clinical testing. Allele origin: germline. Not counted in ClinVar's aggregate classification.

Color Diagnostics, LLC DBA Color Health
Classification: Likely benign for Hereditary cancer-predisposing syndrome. Last evaluated: 2016-04-26. Review status: criteria provided, single submitter. Criteria: ACMG Guidelines, 2015. Collection method: clinical testing. Allele origin: germline. Not counted in ClinVar's aggregate classification.

Ambry Genetics
Classification: Likely benign for Hereditary cancer-predisposing syndrome. Last evaluated: 2016-04-11. Review status: criteria provided, single submitter. Criteria: Ambry Variant Classification Scheme 2023. Collection method: clinical testing. Allele origin: germline. Not counted in ClinVar's aggregate classification.

Literature cited by the submitters: PubMed 16267036 (cited by Women's Health and Genetics/Laboratory Corporation of America, LabCorp).

NM_007294.4(BRCA1):c.4902G>A (p.Arg1634=)

Gene: BRCA1 (BRCA1 DNA repair associated; minus strand). Cytogenetic location: 17q21.31.
Variant type: single nucleotide variant.
Coding change: c.4902G>A on transcript NM_007294.4 (MANE Select); coding-DNA position 4902, G replaced by A.
Protein change: p.Arg1634=; no amino-acid change (arginine 1634 retained).
Molecular consequence: synonymous variant. On other transcripts: intron variant (1).
Genome position (GRCh38, 1-based): chr17:43,071,012, C>T on the plus strand (G>A on the coding strand, the complement: BRCA1 is on the minus strand). VCF-style: chr17-43071012-C-T. GRCh37 (hg19) VCF-style: chr17-41223029-C-T.
Other names: c.1467G>A, p.Arg489= (NM_001408438.1, NM_001408439.1, NM_001408440.1 and 10 more transcripts); c.1464G>A, p.Arg488= (NM_001408445.1, NM_001408446.1, NM_001408447.1 and 2 more transcripts); c.1458G>A, p.Arg486= (NM_001408451.1); c.1452G>A, p.Arg484= (NM_001408452.1, NM_001408453.1, NM_001408454.1 and 3 more transcripts); c.1449G>A, p.Arg483= (NM_001408458.1, NM_001408459.1, NM_001408460.1 and 7 more transcripts); c.1446G>A, p.Arg482= (NM_001408468.1, NM_001408469.1, NM_001408470.1); c.1590G>A, p.Arg530= (NM_001408472.1, NM_007298.4, NM_007299.4 and 13 more transcripts); c.1587G>A, p.Arg529= (NM_001408473.1, NM_001408392.1, NM_001408396.1 and 8 more transcripts); and 71 more.
Identifiers: ClinVar variation 215875 (VCV000215875.20), dbSNP rs746199881, ClinGen allele CA339038.